The following is an entry in ClinVar:

ClinVar aggregate classification (germline): Uncertain significance (1 of 4 stars; one submission).

Conditions:
Landau-Kleffner syndrome (FESD). Also called: APHASIA, ACQUIRED, WITH EPILEPSY; EPILEPSY, FOCAL, WITH SPEECH DISORDER AND WITH OR WITHOUT MENTAL RETARDATION. Identifiers: Orphanet 1945, Orphanet 725, Orphanet 98818, MedGen C0282512, MONDO:0009509, OMIM 245570.

Submission:

Labcorp Genetics (formerly Invitae), Labcorp
Classification: Uncertain significance for Landau-Kleffner syndrome. Last evaluated: 2019-12-05. Review status: criteria provided, single submitter. Criteria: Invitae Variant Classification Sherloc (09022015). Collection method: clinical testing. Allele origin: germline.
Comment: In summary, the available evidence is currently insufficient to determine the role of this variant in disease. Therefore, it has been classified as a Variant of Uncertain Significance. Algorithms developed to predict the effect of missense changes on protein structure and function are either unavailable or do not agree on the potential impact of this missense change (SIFT: "Deleterious"; PolyPhen-2: "Probably Damaging"; Align-GVGD: "Class C0"). This variant has not been reported in the literature in individuals with GRIN2A-related conditions. This variant is not present in population databases (ExAC no frequency). This sequence change replaces aspartic acid with asparagine at codon 1385 of the GRIN2A protein (p.Asp1385Asn). The aspartic acid residue is highly conserved and there is a small physicochemical difference between aspartic acid and asparagine.

NM_001134407.3(GRIN2A):c.4153G>A (p.Asp1385Asn)

Gene: GRIN2A (glutamate ionotropic receptor NMDA type subunit 2A; minus strand). Cytogenetic location: 16p13.2.
Variant type: single nucleotide variant.
Coding change: c.4153G>A on transcript NM_001134407.3 (MANE Select); coding-DNA position 4153, G replaced by A.
Protein change: p.Asp1385Asn; replaces aspartic acid 1385 with asparagine.
Molecular consequence: missense variant. On other transcripts: synonymous variant (1).
Genome position (GRCh38, 1-based): chr16:9,763,391, C>T on the plus strand (G>A on the coding strand, the complement: GRIN2A is on the minus strand). VCF-style: chr16-9763391-C-T. GRCh37 (hg19) VCF-style: chr16-9857248-C-T.
Other names: c.4153G>A, p.Asp1385Asn (NM_000833.5); c.3810G>A, p.Arg1270= (NM_001134408.2); short protein forms D1385N.
Identifiers: ClinVar variation 849755 (VCV000849755.10), dbSNP rs1900682901, ClinGen allele CA394705967.